The following is an entry in ClinVar:

ClinVar aggregate classification (germline): Benign. Review status: criteria provided, multiple submitters, no conflicts (2 of 4 stars). 6 submissions from 6 submitters: Benign (4). 2 of the submissions do not count toward it. Last evaluated 2026-02-04.

Conditions:
Primary dilated cardiomyopathy (DCM). Also called: Dilated Cardiomyopathy. Identifiers: Orphanet 217604, MedGen C0007193, MeSH D002311, MONDO:0005021, HP:0001644. Inheritance: Various modes of inheritance.

Allele frequency attached by ClinVar (database versions not stated): 1000 Genomes Project 30x 0.05012; 1000 Genomes Project 0.05172; TOPMed 0.08485; gnomAD 0.08691 and 0.08785; ExAC 0.09126; ESP Exome Variant Server 0.09288; gnomAD exomes 0.09358 and 0.11117.
gnomAD v4.1: 175,113 of 1,613,654 alleles (11%); highest among the groups gnomAD compares: Non-Finnish European, 12%; 10,367 homozygotes.

Submissions (6):

Labcorp Genetics (formerly Invitae), Labcorp
Classification: Benign for Primary dilated cardiomyopathy. Last evaluated: 2026-02-04. Review status: criteria provided, single submitter. Criteria: Invitae Variant Classification Sherloc (09022015). Collection method: clinical testing. Allele origin: germline.

GeneDx
Classification: Benign. Last evaluated: 2018-09-06. Review status: criteria provided, single submitter. Criteria: GeneDx Variant Classification Process June 2021. Collection method: clinical testing. Allele origin: germline. Affected: yes.

Laboratory for Molecular Medicine, Mass General Brigham Personalized Medicine
Classification: Benign. Last evaluated: 2012-03-16. Review status: criteria provided, single submitter. Criteria: LMM Criteria. Collection method: clinical testing. Allele origin: germline. Observed: 310 variant alleles.
Comment: Asp268Asp in exon 6 of FHL2: This variant is not expected to have clinical signi ficance because it does not alter an amino acid residue, is not located within t he splice consensus sequence, and has been identified in 12% (868/7020) of Europ ean American chromosomes from a broad population by the NHLBI Exome Sequencing P roject (dbSNP rs3087523).

Breakthrough Genomics
Classification: Benign. Review status: criteria provided, single submitter. Criteria: ACMG Guidelines, 2015. Collection method: not provided. Allele origin: germline. Inheritance: Unknown mechanism. Affected: yes.

Clinical Genetics, Academic Medical Center
Classification: Benign. Review status: no assertion criteria provided. Collection method: clinical testing. Allele origin: germline. Affected: yes. Study: VKGL Data-share Consensus. Not counted in ClinVar's aggregate classification.

Diagnostic Laboratory, Department of Genetics, University Medical Center Groningen
Classification: Benign. Review status: no assertion criteria provided. Collection method: clinical testing. Allele origin: germline. Affected: yes. Study: VKGL Data-share Consensus. Not counted in ClinVar's aggregate classification.

NM_001318895.3(FHL2):c.804C>T (p.Asp268=)

Genes: C2orf49 (chromosome 2 open reading frame 49; plus strand), FHL2 (four and a half LIM domains 2; minus strand). Cytogenetic location: 2q12.2.
Variant type: single nucleotide variant.
Coding change: c.804C>T on transcript NM_001318895.3 (MANE Select); coding-DNA position 804, C replaced by T.
Protein change: p.Asp268=; no amino-acid change (aspartic acid 268 retained).
Molecular consequence: synonymous variant.
Genome position (GRCh38, 1-based): chr2:105,361,319, G>A on the plus strand (C>T on the coding strand, the complement: FHL2 is on the minus strand). VCF-style: chr2-105361319-G-A. GRCh37 (hg19) VCF-style: chr2-105977776-G-A.
Other names: c.804C>T, p.Asp268= (NM_001039492.3, NM_001318894.1, NM_001318896.2 and 4 more transcripts); c.462C>T, p.Asp154= (NM_001318897.2, NM_001318898.2); c.480C>T, p.Asp160= (NM_001318899.2).
Identifiers: ClinVar variation 48331 (VCV000048331.16), dbSNP rs3087523, ClinGen allele CA143193.